The following is an entry in ClinVar:

NM_001365480.1(CCDC88A):c.487-11C>G

Gene: CCDC88A (coiled-coil and HOOK domain protein 88A; minus strand). Cytogenetic location: 2p16.1.
Variant type: single nucleotide variant.
Coding change: c.487-11C>G on transcript NM_001365480.1 (MANE Select); 11 bases into the intron before coding-DNA position 487, C replaced by G.
Molecular consequence: intron variant.
Genome position (GRCh38, 1-based): chr2:55,362,459, G>C on the plus strand (C>G on the coding strand, the complement: CCDC88A is on the minus strand). VCF-style: chr2-55362459-G-C. GRCh37 (hg19) VCF-style: chr2-55589595-G-C.
Other names: c.487-11C>G (NM_001254943.2, NM_001135597.2, NM_018084.5).
Identifiers: ClinVar variation 1999575 (VCV001999575.4), dbSNP rs1671444912, ClinGen allele CA1252236601.

ClinVar aggregate classification (germline): Uncertain significance (1 of 4 stars; one submission).

Submission:

Labcorp Genetics (formerly Invitae), Labcorp
Classification: Uncertain significance. Last evaluated: 2022-06-22. Review status: criteria provided, single submitter. Criteria: Invitae Variant Classification Sherloc (09022015). Collection method: clinical testing. Allele origin: germline.
Comment: In summary, the available evidence is currently insufficient to determine the role of this variant in disease. Therefore, it has been classified as a Variant of Uncertain Significance. Algorithms developed to predict the effect of sequence changes on RNA splicing suggest that this variant may disrupt the consensus splice site. This variant has not been reported in the literature in individuals affected with CCDC88A-related conditions. This variant is not present in population databases (gnomAD no frequency). This sequence change falls in intron 6 of the CCDC88A gene. It does not directly change the encoded amino acid sequence of the CCDC88A protein.